The following is an entry in ClinVar:

NM_001365276.2(TNXB):c.8570C>T (p.Pro2857Leu)

Gene: TNXB (tenascin XB; minus strand). Cytogenetic location: 6p21.33.
Variant type: single nucleotide variant.
Coding change: c.8570C>T on transcript NM_001365276.2 (MANE Select); coding-DNA position 8570, C replaced by T.
Protein change: p.Pro2857Leu; replaces proline 2857 with leucine.
Molecular consequence: missense variant.
Genome position (GRCh38, 1-based): chr6:32,053,609, G>A on the plus strand (C>T on the coding strand, the complement: TNXB is on the minus strand). VCF-style: chr6-32053609-G-A. GRCh37 (hg19) VCF-style: chr6-32021386-G-A.
Other names: c.9311C>T, p.Pro3104Leu (NM_001428335.1); c.8564C>T, p.Pro2855Leu (NM_019105.8); short protein forms P2855L, P2857L, P3104L.
Identifiers: ClinVar variation 3227340 (VCV003227340.1), dbSNP rs1777439723, ClinGen allele CA363547205.

ClinVar aggregate classification (germline): Uncertain significance (1 of 4 stars; one submission).

Conditions:
Cardiovascular phenotype. Identifiers: MedGen CN230736.

Allele frequency attached by ClinVar (database versions not stated): gnomAD exomes below 0.00001; TOPMed 0.00001.
gnomAD v4.1: 6 of 1,613,648 alleles (0.00037%); highest among the groups gnomAD compares: Non-Finnish European, 0.00051%; no homozygotes.

Submission:

Ambry Genetics
Classification: Uncertain significance for Cardiovascular phenotype. Last evaluated: 2023-12-15. Review status: criteria provided, single submitter. Criteria: Ambry Variant Classification Scheme 2023. Collection method: clinical testing. Allele origin: germline.
Comment: The p.P2855L variant (also known as c.8564C>T), located in coding exon 24 of the TNXB gene, results from a C to T substitution at nucleotide position 8564. The proline at codon 2855 is replaced by leucine, an amino acid with similar properties. This amino acid position is conserved. In addition, this alteration is predicted to be tolerated by in silico analysis. Since supporting evidence is limited at this time, the clinical significance of this alteration remains unclear.